The following is an entry in ClinVar:

NM_001040142.2(SCN2A):c.1250T>C (p.Ile417Thr)

Gene: SCN2A (sodium voltage-gated channel alpha subunit 2; plus strand). Cytogenetic location: 2q24.3.
Variant type: single nucleotide variant.
Coding change: c.1250T>C on transcript NM_001040142.2 (MANE Select); coding-DNA position 1250, T replaced by C.
Protein change: p.Ile417Thr; replaces isoleucine 417 with threonine.
Molecular consequence: missense variant.
Genome position (GRCh38, 1-based): chr2:165,313,975, T>C. VCF-style: chr2-165313975-T-C. GRCh37 (hg19) VCF-style: chr2-166170485-T-C.
Other names: c.1250T>C, p.Ile417Thr (NM_001040143.2, NM_001371246.1, NM_001371247.1 and 1 more transcripts); short protein forms I417T.
Identifiers: ClinVar variation 3755357 (VCV003755357.2).

ClinVar aggregate classification (germline): Uncertain significance (1 of 4 stars; one submission).

Conditions:
Developmental and epileptic encephalopathy, 11 (DEE11). Also called: Early infantile epileptic encephalopathy 11. Identifiers: Orphanet 1934, MedGen C3150987, MONDO:0013388, OMIM 613721.
Seizures, benign familial infantile, 3 (BFIS3). Also called: CONVULSIONS, BENIGN FAMILIAL INFANTILE, 3; Familial neonatal seizures. Identifiers: Orphanet 140927, Orphanet 306, MedGen C1843140, MONDO:0011904, OMIM 607745.

Submission:

Labcorp Genetics (formerly Invitae), Labcorp
Classification: Uncertain significance for Seizures, benign familial infantile, 3; Developmental and epileptic encephalopathy, 11. Last evaluated: 2024-03-17. Review status: criteria provided, single submitter. Criteria: Invitae Variant Classification Sherloc (09022015). Collection method: clinical testing. Allele origin: germline.
Comment: This sequence change replaces isoleucine, which is neutral and non-polar, with threonine, which is neutral and polar, at codon 417 of the SCN2A protein (p.Ile417Thr). This variant is not present in population databases (gnomAD no frequency). This variant has not been reported in the literature in individuals affected with SCN2A-related conditions. Advanced modeling of protein sequence and biophysical properties (such as structural, functional, and spatial information, amino acid conservation, physicochemical variation, residue mobility, and thermodynamic stability) performed at Invitae indicates that this missense variant is expected to disrupt SCN2A protein function with a positive predictive value of 95%. In summary, the available evidence is currently insufficient to determine the role of this variant in disease. Therefore, it has been classified as a Variant of Uncertain Significance.